The following is an entry in ClinVar:

NM_001261826.3(AP3D1):c.2254A>G (p.Lys752Glu)

Gene: AP3D1 (adaptor related protein complex 3 subunit delta 1; minus strand). Cytogenetic location: 19p13.3.
Variant type: single nucleotide variant.
Coding change: c.2254A>G on transcript NM_001261826.3 (MANE Select); coding-DNA position 2254, A replaced by G.
Protein change: p.Lys752Glu; replaces lysine 752 with glutamic acid.
Molecular consequence: missense variant.
Genome position (GRCh38, 1-based): chr19:2,115,314, T>C on the plus strand (A>G on the coding strand, the complement: AP3D1 is on the minus strand). VCF-style: chr19-2115314-T-C. GRCh37 (hg19) VCF-style: chr19-2115313-T-C.
Other names: p.Lys752Glu; c.2254A>G, p.Lys752Glu (NM_001374799.1, NM_003938.8); short protein forms K752E.
Identifiers: ClinVar variation 1284565 (VCV001284565.12), dbSNP rs201042393, ClinGen allele CA9058952.

ClinVar aggregate classification (germline): Conflicting classifications of pathogenicity. Review status: criteria provided, conflicting classifications (1 of 4 stars). 6 submissions from 6 submitters: Uncertain significance (2); Likely benign (2). 2 of the submissions do not count toward it. Last evaluated 2026-01-06.

Allele frequency attached by ClinVar (database versions not stated): TOPMed 0.00011; 1000 Genomes Project 30x 0.00016; gnomAD 0.00019; 1000 Genomes Project 0.00020; gnomAD exomes 0.00020 and 0.00021; ExAC 0.00031; ESP Exome Variant Server 0.00032.
gnomAD v4.1: 334 of 1,612,134 alleles (0.021%); highest among the groups gnomAD compares: Non-Finnish European, 0.026%; 1 homozygote.

Submissions (6):

Labcorp Genetics (formerly Invitae), Labcorp
Classification: Uncertain significance. Last evaluated: 2026-01-06. Review status: criteria provided, single submitter. Criteria: Invitae Variant Classification Sherloc (09022015). Collection method: clinical testing. Allele origin: germline.
Comment: This sequence change replaces lysine, which is basic and polar, with glutamic acid, which is acidic and polar, at codon 752 of the AP3D1 protein (p.Lys752Glu). This variant is present in population databases (rs201042393, gnomAD 0.04%). This variant has not been reported in the literature in individuals affected with AP3D1-related conditions. ClinVar contains an entry for this variant (Variation ID: 1284565). An algorithm developed to predict the effect of missense changes on protein structure and function outputs the following: PolyPhen-2: "Benign". The glutamic acid amino acid residue is found in multiple mammalian species, which suggests that this missense change does not adversely affect protein function. In summary, the available evidence is currently insufficient to determine the role of this variant in disease. Therefore, it has been classified as a Variant of Uncertain Significance.

Mayo Clinic Laboratories, Mayo Clinic
Classification: Likely benign. Last evaluated: 2025-09-01. Review status: criteria provided, single submitter. Criteria: ACMG Guidelines, 2015. Collection method: clinical testing. Allele origin: germline. Observed: 2 variant alleles.
Comment: BS1, BP4_moderate

Blueprint Genetics
Classification: Likely benign. Last evaluated: 2024-09-14. Review status: criteria provided, single submitter. Criteria: ACMG Guidelines, 2015. Collection method: clinical testing. Allele origin: germline.

Breakthrough Genomics
Classification: Uncertain significance. Review status: criteria provided, single submitter. Criteria: ACMG Guidelines, 2015. Collection method: not provided. Allele origin: germline. Inheritance: Autosomal recessive inheritance. Affected: yes.

Clinical Genetics DNA and cytogenetics Diagnostics Lab, Erasmus MC, Erasmus Medical Center
Classification: Likely benign. Review status: no assertion criteria provided. Collection method: clinical testing. Allele origin: germline. Affected: yes. Study: VKGL Data-share Consensus. Not counted in ClinVar's aggregate classification.

Clinical Genetics, Academic Medical Center
Classification: Benign. Review status: no assertion criteria provided. Collection method: clinical testing. Allele origin: germline. Affected: yes. Study: VKGL Data-share Consensus. Not counted in ClinVar's aggregate classification.